The following is an entry in ClinVar:

NM_001164508.2(NEB):c.11923A>T (p.Lys3975Ter)

Gene: NEB (nebulin; minus strand). Cytogenetic location: 2q23.3.
Variant type: single nucleotide variant.
Coding change: c.11923A>T on transcript NM_001164508.2 (MANE Select); coding-DNA position 11923, A replaced by T.
Protein change: p.Lys3975Ter; replaces lysine 3975 with a stop codon.
Molecular consequence: nonsense.
Genome position (GRCh38, 1-based): chr2:151,610,611, T>A on the plus strand (A>T on the coding strand, the complement: NEB is on the minus strand). VCF-style: chr2-151610611-T-A. GRCh37 (hg19) VCF-style: chr2-152467125-T-A.
Other names: c.11923A>T, p.Lys3975Ter (NM_001164507.2, NM_001271208.2); c.11194A>T, p.Lys3732Ter (NM_004543.5); short protein forms K3732*, K3975*.
Identifiers: ClinVar variation 1725570 (VCV001725570.2), dbSNP rs2552227872, ClinGen allele CA348778267.

ClinVar aggregate classification (germline): Likely pathogenic (1 of 4 stars; one submission).

Conditions:
Nemaline myopathy 2 (NEM2). Also called: Nemaline myopathy 2, autosomal recessive. Identifiers: MedGen C1850569, MONDO:0009725, OMIM 256030.

Submission:

Myriad Genetics, Inc.
Classification: Likely pathogenic for Nemaline myopathy 2. Last evaluated: 2022-03-30. Review status: criteria provided, single submitter. Criteria: Myriad Women's Health Autosomal Recessive and X-Linked Classification Criteria (2021). Collection method: clinical testing. Allele origin: unknown.
Comment: NM_001271208.1(NEB):c.11923A>T(K3975*) is expected to be pathogenic in the context of NEB-related nemaline myopathy. This variant is predicted to lead to an abnormal or absent protein product due to the creation of a premature termination codon in NEB, a gene where loss-of-function variants are known to be pathogenic. Please note: this variant was assessed in the context of healthy population screening.